The following is an entry in ClinVar:

ClinVar aggregate classification (germline): Uncertain significance. Review status: criteria provided, multiple submitters, no conflicts (2 of 4 stars). 2 submissions from 2 submitters: Uncertain significance (2). Last evaluated 2025-03-14.

Conditions:
Dyskeratosis congenita. Identifiers: Orphanet 1775, MedGen C0265965, MONDO:0015780.
Dyskeratosis congenita, autosomal dominant 2. Identifiers: MedGen C3151443, MONDO:0013521, OMIM 613989.
Idiopathic Pulmonary Fibrosis. Also called: Idiopathic fibrosing alveolitis, chronic form; idiopathic fibrosing alveolitis. Identifiers: Orphanet 2032, MedGen C1800706, MeSH D054990, MONDO:0800504.

Submissions (2):

Ambry Genetics
Classification: Uncertain significance for Dyskeratosis congenita. Last evaluated: 2025-03-14. Review status: criteria provided, single submitter. Criteria: Ambry Variant Classification Scheme 2023. Collection method: clinical testing. Allele origin: germline.
Comment: The p.W256L variant (also known as c.767G>T), located in coding exon 2 of the TERT gene, results from a G to T substitution at nucleotide position 767. The tryptophan at codon 256 is replaced by leucine, an amino acid with similar properties. This amino acid position is conserved. In addition, this alteration is predicted to be tolerated by in silico analysis. Based on the available evidence, the clinical significance of this variant remains unclear.

Labcorp Genetics (formerly Invitae), Labcorp
Classification: Uncertain significance for Dyskeratosis congenita, autosomal dominant 2; Idiopathic Pulmonary Fibrosis. Last evaluated: 2024-09-02. Review status: criteria provided, single submitter. Criteria: Invitae Variant Classification Sherloc (09022015). Collection method: clinical testing. Allele origin: germline.
Comment: This sequence change replaces tryptophan, which is neutral and slightly polar, with leucine, which is neutral and non-polar, at codon 256 of the TERT protein (p.Trp256Leu). This variant is not present in population databases (gnomAD no frequency). This variant has not been reported in the literature in individuals affected with TERT-related conditions. Invitae Evidence Modeling of protein sequence and biophysical properties (such as structural, functional, and spatial information, amino acid conservation, physicochemical variation, residue mobility, and thermodynamic stability) indicates that this missense variant is not expected to disrupt TERT protein function with a negative predictive value of 95%. In summary, the available evidence is currently insufficient to determine the role of this variant in disease. Therefore, it has been classified as a Variant of Uncertain Significance.

NM_198253.3(TERT):c.767G>T (p.Trp256Leu)

Gene: TERT (telomerase reverse transcriptase; minus strand). Cytogenetic location: 5p15.33.
Variant type: single nucleotide variant.
Coding change: c.767G>T on transcript NM_198253.3 (MANE Select); coding-DNA position 767, G replaced by T.
Protein change: p.Trp256Leu; replaces tryptophan 256 with leucine.
Molecular consequence: missense variant. On other transcripts: non-coding transcript variant (2).
Genome position (GRCh38, 1-based): chr5:1,294,119, C>A on the plus strand (G>T on the coding strand, the complement: TERT is on the minus strand). VCF-style: chr5-1294119-C-A. GRCh37 (hg19) VCF-style: chr5-1294234-C-A.
Other names: c.767G>T, p.Trp256Leu (NM_001193376.3, NM_003219.1); short protein forms W256L.
Identifiers: ClinVar variation 2937764 (VCV002937764.4), dbSNP rs2126687935, ClinGen allele CA359056862.
Genomic context (GRCh38, chr5:1,294,119, plus strand): 5'-GCAGGTGACACCACACAGAAACCACGGTCACTCGGTCCACGCGTCCTGCCCGGGTGGGCC[C>A]AGGACCCCTGCCCAACGGGCGTCCGCTCCGGCTCAGGGGCAGCGCCACGCCTGGGCCTCT-3'
Protein context (NP_937983.2, residues 246-266): PERTPVGQGS[Trp256Leu]AHPGRTRGPS